The following is an entry in ClinVar:

ClinVar aggregate classification (germline): Likely benign (1 of 4 stars; one submission).

gnomAD v4.1: 1 of 1,613,758 alleles (0.000062%); highest among the groups gnomAD compares: Non-Finnish European, 0.000085%; no homozygotes.

Submission:

CeGaT Center for Human Genetics Tuebingen
Classification: Likely benign. Last evaluated: 2024-11-01. Review status: criteria provided, single submitter. Criteria: CeGaT Center For Human Genetics Tuebingen Variant Classification Criteria Version 2. Collection method: clinical testing. Allele origin: germline. Affected: yes. Observed: 2 variant alleles.
Comment: PRRC2C: BP4, BP7

NM_001387844.1(PRRC2C):c.8568C>A (p.Thr2856=)

Gene: PRRC2C (proline rich coiled-coil 2C; plus strand). Cytogenetic location: 1q24.3.
Variant type: single nucleotide variant.
Coding change: c.8568C>A on transcript NM_001387844.1 (MANE Select); coding-DNA position 8568, C replaced by A.
Protein change: p.Thr2856=; no amino-acid change (threonine 2856 retained).
Molecular consequence: synonymous variant.
Genome position (GRCh38, 1-based): chr1:171,591,718, C>A. VCF-style: chr1-171591718-C-A. GRCh37 (hg19) VCF-style: chr1-171560857-C-A.
Other names: c.8325C>A, p.Thr2775= (NM_015172.4).
Identifiers: ClinVar variation 3388802 (VCV003388802.14).